The following is an entry in ClinVar:

NM_024665.7(TBL1XR1):c.864+1G>A

Genes: TBL1XR1 (TBL1X/Y related 1; minus strand), TBL1XR1-AS1 (TBL1XR1 antisense RNA 1; plus strand). Cytogenetic location: 3q26.32.
Variant type: single nucleotide variant.
Coding change: c.864+1G>A on transcript NM_024665.7 (MANE Select); the canonical splice donor site of the intron after coding-DNA position 864, G replaced by A.
Molecular consequence: splice donor variant.
Genome position (GRCh38, 1-based): chr3:177,047,299, C>T on the plus strand (G>A on the coding strand, the complement: TBL1XR1 is on the minus strand). VCF-style: chr3-177047299-C-T. GRCh37 (hg19) VCF-style: chr3-176765087-C-T.
Other names: c.864+1G>A (NM_001374327.1, NM_001321194.3, NM_001321193.3 and 2 more transcripts); c.603+1G>A (NM_001374330.1, NM_001321195.3).
Identifiers: ClinVar variation 2024079 (VCV002024079.4), dbSNP rs2473700386, ClinGen allele CA355551976.

ClinVar aggregate classification (germline): Likely pathogenic (1 of 4 stars; one submission).

Conditions:
Pierpont syndrome (PRPTS). Identifiers: Orphanet 487825, MedGen C1865644, MONDO:0011213, OMIM 602342.

Submission:

Labcorp Genetics (formerly Invitae), Labcorp
Classification: Likely pathogenic for Pierpont syndrome. Last evaluated: 2025-11-03. Review status: criteria provided, single submitter. Criteria: Invitae Variant Classification Sherloc (09022015). Collection method: clinical testing. Allele origin: germline.
Comment: This sequence change affects a donor splice site in intron 9 of the TBL1XR1 gene. It is expected to disrupt RNA splicing. Variants that disrupt the donor or acceptor splice site typically lead to a loss of protein function (PMID: 16199547), and loss-of-function variants in TBL1XR1 are known to be pathogenic (PMID: 23160955, 26740553, 27824329). This variant is not present in population databases (gnomAD no frequency). This variant has not been reported in the literature in individuals affected with TBL1XR1-related conditions. ClinVar contains an entry for this variant (Variation ID: 2024079). Algorithms developed to predict the effect of sequence changes on RNA splicing suggest that this variant may disrupt the consensus splice site. In summary, the currently available evidence indicates that the variant is pathogenic, but additional data are needed to prove that conclusively. Therefore, this variant has been classified as Likely Pathogenic.

Literature cited by the submitters: PubMed 16199547; PubMed 23160955; PubMed 26740553; PubMed 27824329.